The following is an entry in ClinVar:

NM_017636.4(TRPM4):c.2908C>T (p.Pro970Ser)

Gene: TRPM4 (transient receptor potential cation channel subfamily M member 4; plus strand). Cytogenetic location: 19q13.33.
Variant type: single nucleotide variant.
Coding change: c.2908C>T on transcript NM_017636.4 (MANE Select); coding-DNA position 2908, C replaced by T.
Protein change: p.Pro970Ser; replaces proline 970 with serine.
Molecular consequence: missense variant.
Genome position (GRCh38, 1-based): chr19:49,200,740, C>T. VCF-style: chr19-49200740-C-T. GRCh37 (hg19) VCF-style: chr19-49703997-C-T.
Other names: c.2473C>T, p.Pro825Ser (NM_001195227.2); c.2563C>T, p.Pro855Ser (NM_001321281.2); c.1300C>T, p.Pro434Ser (NM_001321282.2); c.2386C>T, p.Pro796Ser (NM_001321283.2); c.1846C>T, p.Pro616Ser (NM_001321285.2); short protein forms P970S, P434S, P796S, P855S, P616S, P825S.
Identifiers: ClinVar variation 521183 (VCV000521183.12), dbSNP rs172152859, ClinGen allele CA309458504.

ClinVar aggregate classification (germline): Uncertain significance. Review status: criteria provided, multiple submitters, no conflicts (2 of 4 stars). 2 submissions from 2 submitters: Uncertain significance (2). Last evaluated 2023-06-27.

Conditions:
Progressive familial heart block type IB (PFHB1B). Identifiers: Orphanet 871, MedGen C1970298, MONDO:0011474, OMIM 604559.
Inborn genetic diseases. Identifiers: MedGen C0950123, MeSH D030342.

Allele frequency attached by ClinVar (database versions not stated): gnomAD exomes below 0.00001; TOPMed below 0.00001.
gnomAD v4.1: 1 of 1,614,144 alleles (0.000062%); highest among the groups gnomAD compares: Admixed American, 0.0017%; no homozygotes.

Submissions (2):

Labcorp Genetics (formerly Invitae), Labcorp
Classification: Uncertain significance for Progressive familial heart block type IB. Last evaluated: 2023-06-27. Review status: criteria provided, single submitter. Criteria: Invitae Variant Classification Sherloc (09022015). Collection method: clinical testing. Allele origin: germline.
Comment: An algorithm developed to predict the effect of missense changes on protein structure and function (PolyPhen-2) suggests that this variant is likely to be disruptive. This sequence change replaces proline, which is neutral and non-polar, with serine, which is neutral and polar, at codon 970 of the TRPM4 protein (p.Pro970Ser). This variant is present in population databases (rs172152859, gnomAD 0.003%). This missense change has been observed in individual(s) with incomplete right-bundle branch block (PMID: 21887725). ClinVar contains an entry for this variant (Variation ID: 521183). In summary, the available evidence is currently insufficient to determine the role of this variant in disease. Therefore, it has been classified as a Variant of Uncertain Significance.

Ambry Genetics
Classification: Uncertain significance for Inborn genetic diseases. Last evaluated: 2016-07-12. Review status: criteria provided, single submitter. Criteria: Ambry exome assertion method (8-5-2015). Collection method: clinical testing. Allele origin: germline. Affected: yes. Observed: 1 variant allele.

Literature cited by the submitters: PubMed 21887725 (cited by Labcorp Genetics (formerly Invitae), Labcorp).